The following is an entry in ClinVar:

ClinVar aggregate classification (germline): Likely benign. Review status: criteria provided, multiple submitters, no conflicts (2 of 4 stars). 2 submissions from 2 submitters: Likely benign (2). Last evaluated 2026-03-03.

Conditions:
RERE-related disorder. Also called: RERE-related condition; RERE-Related Disorders. Identifiers: MedGen CN381537.
Inborn genetic diseases. Identifiers: MedGen C0950123, MeSH D030342.

gnomAD v4.1: 19 of 1,437,540 alleles (0.0013%); highest among the groups gnomAD compares: Admixed American, 0.038%; no homozygotes.

Submissions (2):

PreventionGenetics, part of Exact Sciences
Classification: Likely benign for RERE-related condition. Last evaluated: 2026-03-03. Review status: criteria provided, single submitter. Criteria: ACMG Guidelines, 2015. Collection method: clinical testing. Allele origin: germline.
Comment: This variant is classified as likely benign based on ACMG/AMP sequence variant interpretation guidelines (Richards et al. 2015 PMID: 25741868, with internal and published modifications).

Ambry Genetics
Classification: Likely benign for Inborn genetic diseases. Last evaluated: 2025-02-01. Review status: criteria provided, single submitter. Criteria: Ambry Variant Classification Scheme 2023. Collection method: clinical testing. Allele origin: germline.

NM_001042681.2(RERE):c.2455C>T (p.His819Tyr)

Gene: RERE (arginine-glutamic acid dipeptide repeats; minus strand). Cytogenetic location: 1p36.23.
Variant type: single nucleotide variant.
Coding change: c.2455C>T on transcript NM_001042681.2 (MANE Select); coding-DNA position 2455, C replaced by T.
Protein change: p.His819Tyr; replaces histidine 819 with tyrosine.
Molecular consequence: missense variant.
Genome position (GRCh38, 1-based): chr1:8,361,052, G>A on the plus strand (C>T on the coding strand, the complement: RERE is on the minus strand). VCF-style: chr1-8361052-G-A. GRCh37 (hg19) VCF-style: chr1-8421112-G-A.
Other names: c.793C>T, p.His265Tyr (NM_001042682.2); c.2455C>T, p.His819Tyr (NM_012102.4); short protein forms H819Y, H265Y.
Identifiers: ClinVar variation 3788240 (VCV003788240.2).